The following is an entry in ClinVar:

ClinVar aggregate classification (germline): Benign. Review status: criteria provided, single submitter (1 of 4 stars). 2 submissions from 2 submitters: Benign (1). 1 of the submissions does not count toward it. Last evaluated 2018-09-11.

Conditions:
DMXL1-related disorder. Also called: DMXL1-related condition.

Allele frequency attached by ClinVar (database versions not stated): gnomAD exomes 0.00102 and 0.00280; ExAC 0.00348; gnomAD 0.01075 and 0.01178; 1000 Genomes Project 30x 0.01140; 1000 Genomes Project 0.01198; TOPMed 0.01254; ESP Exome Variant Server 0.01269.
gnomAD v4.1: 3,193 of 1,614,106 alleles (0.2%); highest among the groups gnomAD compares: African/African-American, 3.7%; 55 homozygotes.

Submissions (2):

Labcorp Genetics (formerly Invitae), Labcorp
Classification: Benign. Last evaluated: 2018-09-11. Review status: criteria provided, single submitter. Criteria: Invitae Variant Classification Sherloc (09022015). Collection method: clinical testing. Allele origin: germline.

PreventionGenetics, part of Exact Sciences
Classification: Benign for DMXL1-related condition. Last evaluated: 2019-03-29. Review status: no assertion criteria provided. Collection method: clinical testing. Allele origin: germline. Not counted in ClinVar's aggregate classification.
Comment: This variant is classified as benign based on ACMG/AMP sequence variant interpretation guidelines (Richards et al. 2015 PMID: 25741868, with internal and published modifications).

NM_001290321.3(DMXL1):c.7731A>G (p.Thr2577=)

Gene: DMXL1 (Dmx like 1; plus strand). Cytogenetic location: 5q23.1.
Variant type: single nucleotide variant.
Coding change: c.7731A>G on transcript NM_001290321.3 (MANE Select); coding-DNA position 7731, A replaced by G.
Protein change: p.Thr2577=; no amino-acid change (threonine 2577 retained).
Molecular consequence: synonymous variant. On other transcripts: non-coding transcript variant (3).
Genome position (GRCh38, 1-based): chr5:119,197,942, A>G. VCF-style: chr5-119197942-A-G. GRCh37 (hg19) VCF-style: chr5-118533637-A-G.
Other names: c.7731A>G, p.Thr2577= (NM_001349239.2, NM_001349240.2, NM_001387933.1 and 1 more transcripts); c.7539A>G, p.Thr2513= (NM_001387934.1); c.7026A>G, p.Thr2342= (NM_001387937.1); c.6744A>G, p.Thr2248= (NM_001387938.1); c.7731A>G (NM_001290321.2).
Identifiers: ClinVar variation 712576 (VCV000712576.5), dbSNP rs147595563, ClinGen allele CA3380965.